The following is an entry in ClinVar:

ClinVar aggregate classification (germline): Conflicting classifications of pathogenicity. Review status: criteria provided, conflicting classifications (1 of 4 stars). 4 submissions from 4 submitters: Uncertain significance (3); Likely benign (1). Last evaluated 2026-05-08.

Conditions:
Autosomal recessive limb-girdle muscular dystrophy type 2J (LGMDR10). Also called: Limb-girdle muscular dystrophy, type 2J; MUSCULAR DYSTROPHY, LIMB-GIRDLE, AUTOSOMAL RECESSIVE 10. Identifiers: Orphanet 140922, MedGen C1837342, MONDO:0012127, OMIM 608807.
Dilated cardiomyopathy 1G (CMD1G). Identifiers: Orphanet 154, MedGen C1858763, MONDO:0011400, OMIM 604145.
Tibial muscular dystrophy (TMD). Also called: Tibial muscular dystrophy, tardive; UDD MYOPATHY; Udd Distal Myopathy – Tibial Muscular Dystrophy. Identifiers: Orphanet 609, MedGen C1838244, MONDO:0010870, OMIM 600334.
Hypertrophic cardiomyopathy 9. Also called: Familial hypertrophic cardiomyopathy 9. Identifiers: MedGen C1861065, MONDO:0013412, OMIM 613765.
Myopathy, myofibrillar, 9, with early respiratory failure (MFM9). Also called: MYOPATHY, PROXIMAL, WITH EARLY RESPIRATORY MUSCLE INVOLVEMENT; EDSTROM MYOPATHY; Myopathy, distal, with early respiratory failure, autosomal dominant; Hereditary myopathy with early respiratory failure. Identifiers: Orphanet 178464, Orphanet 34521, MedGen C1863599, MONDO:0011362, OMIM 603689.
Early-onset myopathy with fatal cardiomyopathy (CMYO5). Also called: Salih Myopathy; CONGENITAL MYOPATHY 5 WITH CARDIOMYOPATHY. Identifiers: Orphanet 289377, MedGen C2673677, MONDO:0012714, OMIM 611705. Disease mechanism: loss of function.
TTN-related disorder. Also called: TTN-related condition; TTN-related disease; TTN-related disorders.
Cardiomyopathy (CMYO). Also called: Cardiomyopathies. Identifiers: Orphanet 167848, MedGen C0878544, MONDO:0004994, HP:0001638. Inheritance: Various modes of inheritance.

Allele frequency attached by ClinVar (database versions not stated): gnomAD exomes 0.00001; TOPMed 0.00001; ExAC 0.00002; gnomAD 0.00002.
gnomAD v4.1: 21 of 1,613,032 alleles (0.0013%); highest among the groups gnomAD compares: Admixed American, 0.005%; no homozygotes.

Submissions (4):

PreventionGenetics, part of Exact Sciences
Classification: Uncertain significance for TTN-related condition. Last evaluated: 2026-05-08. Review status: criteria provided, single submitter. Criteria: ACMG Guidelines, 2015. Collection method: clinical testing. Allele origin: germline.
Comment: The TTN c.91306C>T variant is predicted to result in the amino acid substitution p.Arg30436Trp. To our knowledge, this variant has not been reported in the literature. This variant is reported in 0.0057% of alleles in individuals of Latino descent in gnomAD. At this time, the clinical significance of this variant is uncertain due to the absence of conclusive functional and genetic evidence.

Labcorp Genetics (formerly Invitae), Labcorp
Classification: Uncertain significance for Dilated cardiomyopathy 1G; Autosomal recessive limb-girdle muscular dystrophy type 2J. Last evaluated: 2025-11-17. Review status: criteria provided, single submitter. Criteria: Invitae Variant Classification Sherloc (09022015). Collection method: clinical testing. Allele origin: germline.
Comment: This sequence change replaces arginine, which is basic and polar, with tryptophan, which is neutral and slightly polar, at codon 30436 of the TTN protein (p.Arg30436Trp). This variant is present in population databases (rs773600127, gnomAD 0.006%). This missense change has been observed in individual(s) with congenital myopathy (PMID: 25214167). ClinVar contains an entry for this variant (Variation ID: 841300). Experimental studies and prediction algorithms are not available or were not evaluated, and the functional significance of this variant is currently unknown. This variant is located in the A band of TTN (PMID: 25589632). Variants in this region may be relevant for cardiac or neuromuscular disorders (PMID: 25589632, 23975875). In summary, the available evidence is currently insufficient to determine the role of this variant in disease. Therefore, it has been classified as a Variant of Uncertain Significance.

CHEO Genetics Diagnostic Laboratory, Children's Hospital of Eastern Ontario
Classification: Likely benign for Cardiomyopathy. Last evaluated: 2023-01-31. Review status: criteria provided, single submitter. Criteria: ACMG Guidelines, 2015. Collection method: clinical testing. Allele origin: germline.

Fulgent Genetics
Classification: Uncertain significance for Tibial muscular dystrophy; Myopathy, myofibrillar, 9, with early respiratory failure; Dilated cardiomyopathy 1G; Autosomal recessive limb-girdle muscular dystrophy type 2J; Early-onset myopathy with fatal cardiomyopathy; Hypertrophic cardiomyopathy 9. Last evaluated: 2021-12-09. Review status: criteria provided, single submitter. Criteria: ACMG Guidelines, 2015. Collection method: clinical testing. Allele origin: unknown.

Literature cited by the submitters: PubMed 25214167 (cited by Labcorp Genetics (formerly Invitae), Labcorp); PubMed 25589632 (cited by Labcorp Genetics (formerly Invitae), Labcorp); PubMed 23975875 (cited by Labcorp Genetics (formerly Invitae), Labcorp).

NM_001267550.2(TTN):c.91306C>T (p.Arg30436Trp)

Genes: TTN (titin; minus strand), TTN-AS1 (TTN antisense RNA 1; plus strand). Cytogenetic location: 2q31.2.
Variant type: single nucleotide variant.
Coding change: c.91306C>T on transcript NM_001267550.2 (MANE Select); coding-DNA position 91306, C replaced by T.
Protein change: p.Arg30436Trp; replaces arginine 30436 with tryptophan.
Molecular consequence: missense variant.
Genome position (GRCh38, 1-based): chr2:178,551,225, G>A on the plus strand (C>T on the coding strand, the complement: TTN is on the minus strand). VCF-style: chr2-178551225-G-A. GRCh37 (hg19) VCF-style: chr2-179415952-G-A.
Other names: c.86383C>T, p.Arg28795Trp (NM_001256850.1); c.64111C>T, p.Arg21371Trp (NM_003319.4); c.83602C>T, p.Arg27868Trp (NM_133378.4); c.64486C>T, p.Arg21496Trp (NM_133432.3); c.64687C>T, p.Arg21563Trp (NM_133437.4); short protein forms R21496W, R27868W, R28795W, R21371W, R21563W, R30436W.
Identifiers: ClinVar variation 841300 (VCV000841300.13), dbSNP rs773600127, ClinGen allele CA1987651.
Genomic context (GRCh38, chr2:178,551,225, plus strand): 5'-CCACAATCTTACTGCCTCCATCACGCAATGGTGGGTTCCATTTAAGTGTGATGGTTTCCC[G>A]GGTGACATCAATGTAGTCAGGAGTGCCAGGTGGGTCTAAAAAATTATAAGGAAGGTAAAT-3'
Protein context (NP_001254479.2, residues 30426-30446): PGTPDYIDVT[Arg30436Trp]ETITLKWNPP